The following is an entry in ClinVar:

NM_000417.3(IL2RA):c.203C>T (p.Thr68Ile)

Gene: IL2RA (interleukin 2 receptor subunit alpha; minus strand). Cytogenetic location: 10p15.1.
Variant type: single nucleotide variant.
Coding change: c.203C>T on transcript NM_000417.3 (MANE Select); coding-DNA position 203, C replaced by T.
Protein change: p.Thr68Ile; replaces threonine 68 with isoleucine.
Molecular consequence: missense variant.
Genome position (GRCh38, 1-based): chr10:6,025,887, G>A on the plus strand (C>T on the coding strand, the complement: IL2RA is on the minus strand). VCF-style: chr10-6025887-G-A. GRCh37 (hg19) VCF-style: chr10-6067850-G-A.
Other names: c.203C>T, p.Thr68Ile (NM_001308242.2, NM_001308243.2); short protein forms T68I.
Identifiers: ClinVar variation 2127266 (VCV002127266.4), dbSNP rs1839475742, ClinGen allele CA375930175.

ClinVar aggregate classification (germline): Uncertain significance (1 of 4 stars; one submission).

Conditions:
Immunodeficiency due to CD25 deficiency. Also called: CD25 DEFICIENCY; IL2RA DEFICIENCY; IMMUNODEFICIENCY 41 WITH LYMPHOPROLIFERATION AND AUTOIMMUNITY. Identifiers: Orphanet 169100, MedGen C1853392, MONDO:0011664, OMIM 606367.

Submission:

Labcorp Genetics (formerly Invitae), Labcorp
Classification: Uncertain significance for Immunodeficiency due to CD25 deficiency. Last evaluated: 2024-02-24. Review status: criteria provided, single submitter. Criteria: Invitae Variant Classification Sherloc (09022015). Collection method: clinical testing. Allele origin: germline.
Comment: This sequence change replaces threonine, which is neutral and polar, with isoleucine, which is neutral and non-polar, at codon 68 of the IL2RA protein (p.Thr68Ile). This variant is not present in population databases (gnomAD no frequency). This variant has not been reported in the literature in individuals affected with IL2RA-related conditions. ClinVar contains an entry for this variant (Variation ID: 2127266). Advanced modeling of protein sequence and biophysical properties (such as structural, functional, and spatial information, amino acid conservation, physicochemical variation, residue mobility, and thermodynamic stability) performed at Invitae indicates that this missense variant is not expected to disrupt IL2RA protein function with a negative predictive value of 80%. In summary, the available evidence is currently insufficient to determine the role of this variant in disease. Therefore, it has been classified as a Variant of Uncertain Significance.